The following is an entry in ClinVar:

ClinVar aggregate classification (germline): Uncertain significance. Review status: criteria provided, single submitter (1 of 4 stars). 2 submissions from 2 submitters: Uncertain significance (1). 1 of the submissions does not count toward it. Last evaluated 2024-03-27.

Allele frequency attached by ClinVar (database versions not stated): gnomAD exomes 0.00001 and 0.00002; TOPMed 0.00002.
gnomAD v4.1: 4 of 1,211,415 alleles (0.00033%); highest among the groups gnomAD compares: Admixed American, 0.0022%; no homozygotes.

Submissions (2):

Women's Health and Genetics/Laboratory Corporation of America, LabCorp
Classification: Uncertain significance. Last evaluated: 2024-03-27. Review status: criteria provided, single submitter. Criteria: LabCorp Variant Classification Summary - May 2015. Collection method: clinical testing. Allele origin: germline.

Department of Pathology and Laboratory Medicine, Sinai Health System
Classification: Uncertain significance. Review status: no assertion criteria provided. Collection method: clinical testing. Allele origin: unknown. Affected: yes. Study: The Canadian Open Genetics Repository (COGR). Not counted in ClinVar's aggregate classification.
Comment: The DXCÂ¬â€ p.M22V variant was not identified in the literature nor was it identified in ClinVar. The variant was identified in dbSNP (ID: rs1298342663) and in control databases in 3 of 183250 chromosomes (1 hemizygous) at a frequency of 0.00001637 (Genome Aggregation Database March 6, 2019, v2.1.1). The p.M22 residue is not conserved in mammals and computational analyses (MUT Assesor, SIFT, MutationTaster, Revel, FATHMM, MetaLR, DANN) provide inconsistent predictions regarding the impact to the protein; this information is not very predictive of pathogenicity. In summary, based on the above information the clinical significance of this variant cannot be determined with certainty at this time. This variant is classified as a variant of uncertain significance.

NM_001195553.2(DCX):c.-22-491A>G

Gene: DCX (doublecortin; minus strand). Cytogenetic location: Xq23.
Variant type: single nucleotide variant.
Coding change: c.-22-491A>G on transcript NM_001195553.2 (MANE Select); 491 bases into the intron before 22 bases upstream of the start codon, A replaced by G.
Molecular consequence: intron variant. On other transcripts: missense variant (1).
Genome position (GRCh38, 1-based): chrX:111,410,911, T>C on the plus strand (A>G on the coding strand, the complement: DCX is on the minus strand). VCF-style: chrX-111410911-T-C. GRCh37 (hg19) VCF-style: chrX-110654139-T-C.
Other names: c.64A>G, p.Met22Val (NM_000555.3); c.-22-491A>G (NM_001369373.1, NM_178153.3, NM_001369372.1 and 5 more transcripts); short protein forms M22V.
Identifiers: ClinVar variation 1048867 (VCV001048867.3), dbSNP rs1298342663, ClinGen allele CA414247784.